The following is an entry in ClinVar:

ClinVar aggregate classification (germline): Benign. Review status: criteria provided, single submitter (1 of 4 stars). 2 submissions from 2 submitters: Benign (1). 1 of the submissions does not count toward it. Last evaluated 2025-06-13.

Conditions:
ADAMTS9-related disorder. Also called: ADAMTS9-related condition.

Allele frequency attached by ClinVar (database versions not stated): gnomAD exomes 0.00029; ExAC 0.00112; gnomAD 0.00178; 1000 Genomes Project 0.00180; TOPMed 0.00208; 1000 Genomes Project 30x 0.00219; ESP Exome Variant Server 0.00284.
gnomAD v4.1: 707 of 1,614,062 alleles (0.044%); highest among the groups gnomAD compares: African/African-American, 0.62%; 4 homozygotes.

Submissions (2):

Labcorp Genetics (formerly Invitae), Labcorp
Classification: Benign. Last evaluated: 2025-06-13. Review status: criteria provided, single submitter. Criteria: Invitae Variant Classification Sherloc (09022015). Collection method: clinical testing. Allele origin: germline.

PreventionGenetics, part of Exact Sciences
Classification: Benign for ADAMTS9-related condition. Last evaluated: 2020-01-02. Review status: no assertion criteria provided. Collection method: clinical testing. Allele origin: germline. Not counted in ClinVar's aggregate classification.
Comment: This variant is classified as benign based on ACMG/AMP sequence variant interpretation guidelines (Richards et al. 2015 PMID: 25741868, with internal and published modifications).

NM_182920.2(ADAMTS9):c.2499G>A (p.Glu833=)

Gene: ADAMTS9 (ADAM metallopeptidase with thrombospondin type 1 motif 9; minus strand). Cytogenetic location: 3p14.1.
Variant type: single nucleotide variant.
Coding change: c.2499G>A on transcript NM_182920.2 (MANE Select); coding-DNA position 2499, G replaced by A.
Protein change: p.Glu833=; no amino-acid change (glutamic acid 833 retained).
Molecular consequence: synonymous variant.
Genome position (GRCh38, 1-based): chr3:64,622,477, C>T on the plus strand (G>A on the coding strand, the complement: ADAMTS9 is on the minus strand). VCF-style: chr3-64622477-C-T. GRCh37 (hg19) VCF-style: chr3-64608153-C-T.
Other names: c.2415G>A, p.Glu805= (NM_001318781.2); c.2499G>A (NM_182920.1).
Identifiers: ClinVar variation 2051110 (VCV002051110.6), dbSNP rs115939195, ClinGen allele CA2481180.